The following is an entry in ClinVar:

NM_020366.4(RPGRIP1):c.3293G>A (p.Ser1098Asn)

Gene: RPGRIP1 (RPGR interacting protein 1; plus strand). Cytogenetic location: 14q11.2.
Variant type: single nucleotide variant.
Coding change: c.3293G>A on transcript NM_020366.4 (MANE Select); coding-DNA position 3293, G replaced by A.
Protein change: p.Ser1098Asn; replaces serine 1098 with asparagine.
Molecular consequence: missense variant.
Genome position (GRCh38, 1-based): chr14:21,334,659, G>A. VCF-style: chr14-21334659-G-A. GRCh37 (hg19) VCF-style: chr14-21802818-G-A.
Other names: c.1271G>A, p.Ser424Asn (NM_001377523.1, NM_001377950.1); c.2219G>A, p.Ser740Asn (NM_001377948.1); c.1379G>A, p.Ser460Asn (NM_001377949.1); c.776G>A, p.Ser259Asn (NM_001377951.1); short protein forms S1098N, S740N, S259N, S460N, S424N.
Identifiers: ClinVar variation 1436103 (VCV001436103.8), dbSNP rs2139288372, ClinGen allele CA388873147.

ClinVar aggregate classification (germline): Uncertain significance (1 of 4 stars; one submission).

Conditions:
Cone-rod dystrophy 13 (CORD13). Identifiers: Orphanet 1872, MedGen C2750720, MONDO:0011987, OMIM 608194.
Leber congenital amaurosis 6 (LCA6). Identifiers: Orphanet 65, MedGen C1854260, MONDO:0013446, OMIM 613826.

Allele frequency attached by ClinVar (database versions not stated): gnomAD exomes below 0.00001.
gnomAD v4.1: 3 of 1,609,434 alleles (0.00019%); highest among the groups gnomAD compares: Non-Finnish European, 0.00025%; no homozygotes.

Submission:

Labcorp Genetics (formerly Invitae), Labcorp
Classification: Uncertain significance for Leber congenital amaurosis 6; Cone-rod dystrophy 13. Last evaluated: 2021-07-10. Review status: criteria provided, single submitter. Criteria: Invitae Variant Classification Sherloc (09022015). Collection method: clinical testing. Allele origin: germline.
Comment: This sequence change replaces serine with asparagine at codon 1098 of the RPGRIP1 protein (p.Ser1098Asn). The serine residue is highly conserved and there is a small physicochemical difference between serine and asparagine. This variant is not present in population databases (ExAC no frequency). This variant has not been reported in the literature in individuals affected with RPGRIP1-related conditions. Algorithms developed to predict the effect of missense changes on protein structure and function are either unavailable or do not agree on the potential impact of this missense change (SIFT: "Tolerated"; PolyPhen-2: "Probably Damaging"; Align-GVGD: "Class C0"). In summary, the available evidence is currently insufficient to determine the role of this variant in disease. Therefore, it has been classified as a Variant of Uncertain Significance.